The following is an entry in ClinVar:

ClinVar aggregate classification (germline): Uncertain significance (1 of 4 stars; one submission).

gnomAD v4.1: 1 of 1,612,656 alleles (0.000062%); highest among the groups gnomAD compares: Non-Finnish European, 0.000085%; no homozygotes.

Submission:

GeneDx
Classification: Uncertain significance. Last evaluated: 2025-05-21. Review status: criteria provided, single submitter. Criteria: GeneDx Variant Classification Process June 2021. Collection method: clinical testing. Allele origin: germline. Affected: yes.
Comment: Not observed at significant frequency in large population cohorts (gnomAD); In silico analysis supports that this missense variant has a deleterious effect on protein structure/function; Has not been previously published as pathogenic or benign to our knowledge

NM_020297.4(ABCC9):c.1376G>A (p.Gly459Asp)

Gene: ABCC9 (ATP binding cassette subfamily C member 9; minus strand). Cytogenetic location: 12p12.1.
Variant type: single nucleotide variant.
Coding change: c.1376G>A on transcript NM_020297.4 (MANE Select); coding-DNA position 1376, G replaced by A.
Protein change: p.Gly459Asp; replaces glycine 459 with aspartic acid.
Molecular consequence: missense variant.
Genome position (GRCh38, 1-based): chr12:21,908,156, C>T on the plus strand (G>A on the coding strand, the complement: ABCC9 is on the minus strand). VCF-style: chr12-21908156-C-T. GRCh37 (hg19) VCF-style: chr12-22061090-C-T.
Other names: c.1376G>A, p.Gly459Asp (NM_005691.4, NM_001377273.1); c.512G>A, p.Gly171Asp (NM_001377274.1); short protein forms G171D, G459D.
Identifiers: ClinVar variation 4530870 (VCV004530870.1).